The following is an entry in ClinVar:

NM_130384.3(ATRIP):c.1743C>G (p.Pro581=)

Genes: ATRIP (ATR interacting protein; plus strand), ATRIP-TREX1 (ATRIP-TREX1 readthrough; plus strand). Cytogenetic location: 3p21.31.
Variant type: single nucleotide variant.
Coding change: c.1743C>G on transcript NM_130384.3 (MANE Select); coding-DNA position 1743, C replaced by G.
Protein change: p.Pro581=; no amino-acid change (proline 581 retained).
Molecular consequence: synonymous variant. On other transcripts: non-coding transcript variant (1).
Genome position (GRCh38, 1-based): chr3:48,460,797, C>G. VCF-style: chr3-48460797-C-G. GRCh37 (hg19) VCF-style: chr3-48502196-C-G.
Other names: c.1362C>G, p.Pro454= (NM_001271022.2); c.1464C>G, p.Pro488= (NM_001271023.2); c.1743C>G, p.Pro581= (NM_032166.4).
Identifiers: ClinVar variation 4644557 (VCV004644557.1).

ClinVar aggregate classification (germline): Uncertain significance (1 of 4 stars; one submission).

Submission:

Ambry Genetics
Classification: Uncertain significance. Last evaluated: 2025-10-24. Review status: criteria provided, single submitter. Criteria: Ambry Variant Classification Scheme 2023. Collection method: clinical testing. Allele origin: germline.
Comment: The c.1743C>G variant (also known as p.P581P), located in coding exon 8 of the ATRIP gene, results from a C to G substitution at nucleotide position 1743. This nucleotide substitution does not change the amino acid at codon 581. This nucleotide position is well conserved in available vertebrate species. In silico splice site analysis for this alteration is inconclusive. The evidence for this gene-disease relationship is limited; therefore, the clinical significance of this alteration is unclear.